The following is an entry in ClinVar:

NM_001942.4(DSG1):c.169G>A (p.Ala57Thr)

Gene: DSG1 (desmoglein 1; plus strand). Cytogenetic location: 18q12.1.
Variant type: single nucleotide variant.
Coding change: c.169G>A on transcript NM_001942.4 (MANE Select); coding-DNA position 169, G replaced by A.
Protein change: p.Ala57Thr; replaces alanine 57 with threonine.
Molecular consequence: missense variant.
Genome position (GRCh38, 1-based): chr18:31,326,958, G>A. VCF-style: chr18-31326958-G-A. GRCh37 (hg19) VCF-style: chr18-28906921-G-A.
Other names: short protein forms A57T.
Identifiers: ClinVar variation 2068735 (VCV002068735.4), dbSNP rs1427235253, ClinGen allele CA402127890.

ClinVar aggregate classification (germline): Uncertain significance (1 of 4 stars; one submission).

Allele frequency attached by ClinVar (database versions not stated): gnomAD exomes below 0.00001.
gnomAD v4.1: 3 of 1,613,992 alleles (0.00019%); highest among the groups gnomAD compares: Non-Finnish European, 0.00025%; no homozygotes.

Submission:

Labcorp Genetics (formerly Invitae), Labcorp
Classification: Uncertain significance. Last evaluated: 2025-04-30. Review status: criteria provided, single submitter. Criteria: Invitae Variant Classification Sherloc (09022015). Collection method: clinical testing. Allele origin: germline.
Comment: This sequence change replaces alanine, which is neutral and non-polar, with threonine, which is neutral and polar, at codon 57 of the DSG1 protein (p.Ala57Thr). This variant is present in population databases (no rsID available, gnomAD 0.0009%). This variant has not been reported in the literature in individuals affected with DSG1-related conditions. ClinVar contains an entry for this variant (Variation ID: 2068735). Invitae Evidence Modeling of protein sequence and biophysical properties (such as structural, functional, and spatial information, amino acid conservation, physicochemical variation, residue mobility, and thermodynamic stability) indicates that this missense variant is not expected to disrupt DSG1 protein function with a negative predictive value of 80%. In summary, the available evidence is currently insufficient to determine the role of this variant in disease. Therefore, it has been classified as a Variant of Uncertain Significance.